The following is an entry in ClinVar:

ClinVar aggregate classification (germline): Pathogenic. Review status: criteria provided, single submitter (1 of 4 stars). 2 submissions from 2 submitters: Pathogenic (1). 1 of the submissions does not count toward it. Last evaluated 2024-09-30.

Conditions:
Tuberous sclerosis syndrome (TSC). Also called: Tuberous Sclerosis Complex; Tuberous sclerosis. Identifiers: Orphanet 805, MedGen C0041341, MONDO:0001734.
Tuberous sclerosis 2 (TSC2). Identifiers: Orphanet 805, MedGen C1860707, MONDO:0013199, OMIM 613254.

Submissions (2):

Labcorp Genetics (formerly Invitae), Labcorp
Classification: Pathogenic for Tuberous sclerosis 2. Last evaluated: 2024-09-30. Review status: criteria provided, single submitter. Criteria: Invitae Variant Classification Sherloc (09022015). Collection method: clinical testing. Allele origin: germline.
Comment: This sequence change creates a premature translational stop signal (p.Glu450*) in the TSC2 gene. It is expected to result in an absent or disrupted protein product. Loss-of-function variants in TSC2 are known to be pathogenic (PMID: 10205261, 17304050). This variant is not present in population databases (gnomAD no frequency). This premature translational stop signal has been observed in individual(s) with tuberous sclerosis complex (PMID: 9829910). ClinVar contains an entry for this variant (Variation ID: 49651). For these reasons, this variant has been classified as Pathogenic.

Tuberous sclerosis database (TSC2)
No classification provided. Condition: TSC. Review status: no classification provided. Criteria: Tuberous Sclerosis Database Assertion Criteria 2015. Collection method: curation. Allele origin: germline. Affected: yes. Not counted in ClinVar's aggregate classification.

Literature cited by the submitters: PubMed 10205261 (cited by Labcorp Genetics (formerly Invitae), Labcorp); PubMed 17304050 (cited by Labcorp Genetics (formerly Invitae), Labcorp); PubMed 9829910 (cited by Labcorp Genetics (formerly Invitae), Labcorp).

NM_000548.5(TSC2):c.1348G>T (p.Glu450Ter)

Gene: TSC2 (TSC complex subunit 2; plus strand). Cytogenetic location: 16p13.3.
Variant type: single nucleotide variant.
Coding change: c.1348G>T on transcript NM_000548.5 (MANE Select); coding-DNA position 1348, G replaced by T.
Protein change: p.Glu450Ter; replaces glutamic acid 450 with a stop codon.
Molecular consequence: nonsense.
Genome position (GRCh38, 1-based): chr16:2,062,587, G>T. VCF-style: chr16-2062587-G-T. GRCh37 (hg19) VCF-style: chr16-2112588-G-T.
Other names: c.1348G>T, p.Glu450Ter (NM_001077183.3, NM_001114382.3, NM_001363528.2 and 3 more transcripts); c.1237G>T, p.Glu413Ter (NM_001318827.2); c.1201G>T, p.Glu401Ter (NM_001318829.2); c.748G>T, p.Glu250Ter (NM_001318831.2); c.1381G>T, p.Glu461Ter (NM_001318832.2); short protein forms E450*, E250*, E461*, E401*, E413*.
Identifiers: ClinVar variation 49651 (VCV000049651.8), dbSNP rs45491095, ClinGen allele CA014477.